The following is an entry in ClinVar:

NM_020708.5(SLC12A5):c.24C>A (p.Cys8Ter)

Gene: SLC12A5 (solute carrier family 12 member 5; plus strand). Cytogenetic location: 20q13.12.
Variant type: single nucleotide variant.
Coding change: c.24C>A on transcript NM_020708.5 (MANE Select); coding-DNA position 24, C replaced by A.
Protein change: p.Cys8Ter; replaces cysteine 8 with a stop codon.
Molecular consequence: nonsense. On other transcripts: intron variant (1).
Genome position (GRCh38, 1-based): chr20:46,029,368, C>A. VCF-style: chr20-46029368-C-A. GRCh37 (hg19) VCF-style: chr20-44658007-C-A.
Other names: c.122-5580C>A (NM_001134771.2); short protein forms C8*.
Identifiers: ClinVar variation 934757 (VCV000934757.8), dbSNP rs2084424489, ClinGen allele CA409232571.

ClinVar aggregate classification (germline): Pathogenic (1 of 4 stars; one submission).

Conditions:
Developmental and epileptic encephalopathy, 34 (DEE34). Also called: Early infantile epileptic encephalopathy 34; SLC12A5-Related Epilepsy of Infancy with Migrating Focal Seizures. Identifiers: Orphanet 293181, MedGen C4225257, MONDO:0014718, OMIM 616645.

Submission:

Labcorp Genetics (formerly Invitae), Labcorp
Classification: Pathogenic for Developmental and epileptic encephalopathy, 34. Last evaluated: 2022-10-17. Review status: criteria provided, single submitter. Criteria: Invitae Variant Classification Sherloc (09022015). Collection method: clinical testing. Allele origin: germline.
Comment: For these reasons, this variant has been classified as Pathogenic. ClinVar contains an entry for this variant (Variation ID: 934757). This variant has not been reported in the literature in individuals affected with SLC12A5-related conditions. This variant is not present in population databases (gnomAD no frequency). This sequence change creates a premature translational stop signal (p.Cys8*) in the SLC12A5 gene. It is expected to result in an absent or disrupted protein product. Loss-of-function variants in SLC12A5 are known to be pathogenic (PMID: 26333769, 27436767).

Literature cited by the submitters: PubMed 26333769; PubMed 27436767.